The following is an entry in ClinVar:

ClinVar aggregate classification (germline): Likely benign (0 of 4 stars; one submission).

Conditions:
ALOX12B-related disorder. Also called: ALOX12B-related condition.

gnomAD v4.1: 1 of 1,551,024 alleles (0.000064%); highest among the groups gnomAD compares: South Asian, 0.0012%; no homozygotes.

Submission:

PreventionGenetics, part of Exact Sciences
Classification: Likely benign for ALOX12B-related condition. Last evaluated: 2019-09-17. Review status: no assertion criteria provided. Collection method: clinical testing. Allele origin: germline.
Comment: This variant is classified as likely benign based on ACMG/AMP sequence variant interpretation guidelines (Richards et al. 2015 PMID: 25741868, with internal and published modifications).

NM_001139.3(ALOX12B):c.1350G>T (p.Gly450=)

Gene: ALOX12B (arachidonate 12-lipoxygenase, 12R type; minus strand). Cytogenetic location: 17p13.1.
Variant type: single nucleotide variant.
Coding change: c.1350G>T on transcript NM_001139.3 (MANE Select); coding-DNA position 1350, G replaced by T.
Protein change: p.Gly450=; no amino-acid change (glycine 450 retained).
Molecular consequence: synonymous variant.
Genome position (GRCh38, 1-based): chr17:8,076,669, C>A on the plus strand (G>T on the coding strand, the complement: ALOX12B is on the minus strand). VCF-style: chr17-8076669-C-A. GRCh37 (hg19) VCF-style: chr17-7979987-C-A.
Identifiers: ClinVar variation 3355800 (VCV003355800.1).